The following is an entry in ClinVar:

ClinVar aggregate classification (germline): Uncertain significance (1 of 4 stars; one submission).

Conditions:
Hereditary cancer-predisposing syndrome. Also called: Tumor predisposition; Neoplastic Syndromes, Hereditary; Hereditary neoplastic syndrome; Hereditary Cancer Syndrome. Identifiers: Orphanet 140162, MedGen C0027672, MeSH D009386, MONDO:0015356.

Submission:

Ambry Genetics
Classification: Uncertain significance for Hereditary cancer-predisposing syndrome. Last evaluated: 2025-09-06. Review status: criteria provided, single submitter. Criteria: Ambry Variant Classification Scheme 2023. Collection method: clinical testing. Allele origin: germline.
Comment: The p.K682T variant (also known as c.2045A>C), located in coding exon 18 of the MRE11A gene, results from an A to C substitution at nucleotide position 2045. The lysine at codon 682 is replaced by threonine, an amino acid with similar properties. This amino acid position is conserved. In addition, this alteration is predicted to be tolerated by in silico analysis. Based on the available evidence, the clinical significance of this variant remains unclear.

NM_005591.4(MRE11):c.2045A>C (p.Lys682Thr)

Gene: MRE11 (MRE11 double strand break repair nuclease; minus strand). Cytogenetic location: 11q21.
Variant type: single nucleotide variant.
Coding change: c.2045A>C on transcript NM_005591.4 (MANE Select); coding-DNA position 2045, A replaced by C.
Protein change: p.Lys682Thr; replaces lysine 682 with threonine.
Molecular consequence: missense variant. On other transcripts: intron variant (1).
Genome position (GRCh38, 1-based): chr11:94,429,936, T>G on the plus strand (A>C on the coding strand, the complement: MRE11 is on the minus strand). VCF-style: chr11-94429936-T-G. GRCh37 (hg19) VCF-style: chr11-94163102-T-G.
Other names: c.2042A>C, p.Lys681Thr (NM_001330347.2, NM_001440464.1, NM_001440465.1); c.2096A>C, p.Lys699Thr (NM_001440460.1, NM_001440461.1); c.2045A>C, p.Lys682Thr (NM_001440462.1, NM_001440463.1); c.2012A>C, p.Lys671Thr (NM_001440466.1); c.1982A>C, p.Lys661Thr (NM_001440467.1, NM_001440468.1, NM_001440469.1); c.1898A>C, p.Lys633Thr (NM_001440481.1); c.1700A>C, p.Lys567Thr (NM_001440482.1, NM_001440483.1); c.1697A>C, p.Lys566Thr (NM_001440484.1); and 8 more; short protein forms K566T, K567T, K655T, K656T, K660T, K636T, K657T, K661T.
Identifiers: ClinVar variation 4110104 (VCV004110104.1).